The following is an entry in ClinVar:

ClinVar aggregate classification (germline): Pathogenic/Likely pathogenic. Review status: criteria provided, multiple submitters, no conflicts (2 of 4 stars). 2 submissions from 2 submitters: Pathogenic (1); Likely pathogenic (1). Last evaluated 2023-05-02.

Conditions:
Autosomal recessive nonsyndromic hearing loss 23. Identifiers: Orphanet 90636, MedGen C1836027, MONDO:0012293, OMIM 609533.

gnomAD v4.1: 1 of 1,613,832 alleles (0.000062%); highest among the groups gnomAD compares: Non-Finnish European, 0.000085%; no homozygotes.

Submissions (2):

Baylor Genetics
Classification: Likely pathogenic for Autosomal recessive nonsyndromic hearing loss 23. Last evaluated: 2023-05-02. Review status: criteria provided, single submitter. Criteria: ACMG Guidelines, 2015. Collection method: clinical testing. Allele origin: unknown.

Labcorp Genetics (formerly Invitae), Labcorp
Classification: Pathogenic. Last evaluated: 2019-07-23. Review status: criteria provided, single submitter. Criteria: Invitae Variant Classification Sherloc (09022015). Collection method: clinical testing. Allele origin: germline.
Comment: For these reasons, this variant has been classified as Pathogenic. Loss-of-function variants in PCDH15 are known to be pathogenic (PMID: 11398101, 11487575, 14570705). This variant has not been reported in the literature in individuals with PCDH15-related conditions. This variant is not present in population databases (ExAC no frequency). This sequence change creates a premature translational stop signal (p.Tyr931*) in the PCDH15 gene. It is expected to result in an absent or disrupted protein product.

Literature cited by the submitters: PubMed 11398101 (cited by Labcorp Genetics (formerly Invitae), Labcorp); PubMed 11487575 (cited by Labcorp Genetics (formerly Invitae), Labcorp); PubMed 14570705 (cited by Labcorp Genetics (formerly Invitae), Labcorp).

NM_001384140.1(PCDH15):c.2793C>G (p.Tyr931Ter)

Gene: PCDH15 (protocadherin related 15; minus strand). Cytogenetic location: 10q21.1.
Variant type: single nucleotide variant.
Coding change: c.2793C>G on transcript NM_001384140.1 (MANE Select); coding-DNA position 2793, C replaced by G.
Protein change: p.Tyr931Ter; replaces tyrosine 931 with a stop codon.
Molecular consequence: nonsense.
Genome position (GRCh38, 1-based): chr10:53,995,724, G>C on the plus strand (C>G on the coding strand, the complement: PCDH15 is on the minus strand). VCF-style: chr10-53995724-G-C. GRCh37 (hg19) VCF-style: chr10-55755484-G-C.
Other names: c.2808C>G, p.Tyr936Ter (NM_001142763.2, NM_001142771.2); c.2793C>G, p.Tyr931Ter (NM_001142764.2, NM_001142766.2, NM_001142770.3 and 5 more transcripts); c.2580C>G, p.Tyr860Ter (NM_001142765.2); c.2682C>G, p.Tyr894Ter (NM_001142767.2); c.2727C>G, p.Tyr909Ter (NM_001142768.2, NM_001142773.2, NM_001354404.2); c.2829C>G, p.Tyr943Ter (NM_001142769.4); c.2814C>G, p.Tyr938Ter (NM_001354411.2); short protein forms Y936*, Y894*, Y938*, Y860*, Y909*, Y931*, Y943*.
Identifiers: ClinVar variation 935162 (VCV000935162.8), dbSNP rs2091805733, ClinGen allele CA376515432.